The following is an entry in ClinVar:

NM_018161.5(NADSYN1):c.1861G>A (p.Gly621Ser)

Gene: NADSYN1 (NAD synthetase 1; plus strand). Cytogenetic location: 11q13.4.
Variant type: single nucleotide variant.
Coding change: c.1861G>A on transcript NM_018161.5 (MANE Select); coding-DNA position 1861, G replaced by A.
Protein change: p.Gly621Ser; replaces glycine 621 with serine.
Molecular consequence: missense variant.
Genome position (GRCh38, 1-based): chr11:71,497,579, G>A. VCF-style: chr11-71497579-G-A. GRCh37 (hg19) VCF-style: chr11-71208625-G-A.
Other names: short protein forms G621S.
Identifiers: ClinVar variation 1700396 (VCV001700396.4), dbSNP rs202246678, ClinGen allele CA6163677.

ClinVar aggregate classification (germline): Uncertain significance. Review status: criteria provided, single submitter (1 of 4 stars). 2 submissions from 2 submitters: Uncertain significance (1). 1 of the submissions does not count toward it. Last evaluated 2024-12-05.

Conditions:
NADSYN1-related disorder. Also called: NADSYN1-related condition.

Allele frequency attached by ClinVar (database versions not stated): ESP Exome Variant Server 0.00008; ExAC 0.00014; 1000 Genomes Project 30x 0.00016; gnomAD exomes 0.00019 and 0.00039; 1000 Genomes Project 0.00020; gnomAD 0.00023; TOPMed 0.00029.

Submissions (2):

GeneDx
Classification: Uncertain significance. Last evaluated: 2024-12-05. Review status: criteria provided, single submitter. Criteria: GeneDx Variant Classification Process June 2021. Collection method: clinical testing. Allele origin: germline. Affected: yes.
Comment: In silico analysis supports that this missense variant does not alter protein structure/function; Has not been previously published as pathogenic or benign to our knowledge

PreventionGenetics, part of Exact Sciences
Classification: Uncertain significance for NADSYN1-related condition. Last evaluated: 2024-07-29. Review status: no assertion criteria provided. Collection method: clinical testing. Allele origin: germline. Not counted in ClinVar's aggregate classification.
Comment: The NADSYN1 c.1861G>A variant is predicted to result in the amino acid substitution p.Gly621Ser. To our knowledge, this variant has not been reported in the literature. This variant is reported in 0.026% of alleles in individuals of European (Non-Finnish) descent in gnomAD. At this time, the clinical significance of this variant is uncertain due to the absence of conclusive functional and genetic evidence.